The following is an entry in ClinVar:

NM_000548.5(TSC2):c.2531T>C (p.Leu844Pro)

Gene: TSC2 (TSC complex subunit 2; plus strand). Cytogenetic location: 16p13.3.
Variant type: single nucleotide variant.
Coding change: c.2531T>C on transcript NM_000548.5 (MANE Select); coding-DNA position 2531, T replaced by C.
Protein change: p.Leu844Pro; replaces leucine 844 with proline.
Molecular consequence: missense variant.
Genome position (GRCh38, 1-based): chr16:2,074,375, T>C. VCF-style: chr16-2074375-T-C. GRCh37 (hg19) VCF-style: chr16-2124376-T-C.
Other names: c.2531T>C, p.Leu844Pro (NM_001114382.3, NM_001363528.2, NM_001370404.1 and 3 more transcripts); c.2420T>C, p.Leu807Pro (NM_001318827.2); c.2384T>C, p.Leu795Pro (NM_001318829.2); c.1931T>C, p.Leu644Pro (NM_001318831.2); c.2564T>C, p.Leu855Pro (NM_001318832.2); short protein forms L844P, L644P, L795P, L855P, L807P.
Identifiers: ClinVar variation 64921 (VCV000064921.7), dbSNP rs397515303, ClinGen allele CA017563.
Genomic context (GRCh38, chr16:2,074,375, plus strand): 5'-CTGTTCTGGTGGTGAAGCTCACGCACATCTCAGCCACAGCCAGCATGGCCGTCCCACTGC[T>C]GGAGTTCCTGTCCAGTGAGTCCCCGCCCTGCCTGCGCATGCACCCGAGAGGTTCGGGCTG-3'
Protein context (NP_000539.2, residues 834-854): SATASMAVPL[Leu844Pro]EFLSTLARLP

ClinVar aggregate classification (germline): Pathogenic/Likely pathogenic. Review status: criteria provided, multiple submitters, no conflicts (2 of 4 stars). 3 submissions from 3 submitters: Pathogenic (1); Likely pathogenic (1). 1 of the submissions does not count toward it. Last evaluated 2023-10-27.

Conditions:
Tuberous sclerosis 2 (TSC2). Identifiers: Orphanet 805, MedGen C1860707, MONDO:0013199, OMIM 613254.
Tuberous sclerosis syndrome (TSC). Also called: Tuberous Sclerosis Complex; Tuberous sclerosis. Identifiers: Orphanet 805, MedGen C0041341, MONDO:0001734.

Submissions (3):

Labcorp Genetics (formerly Invitae), Labcorp
Classification: Pathogenic for Tuberous sclerosis 2. Last evaluated: 2023-10-27. Review status: criteria provided, single submitter. Criteria: Invitae Variant Classification Sherloc (09022015). Collection method: clinical testing. Allele origin: germline.
Comment: This sequence change replaces leucine, which is neutral and non-polar, with proline, which is neutral and non-polar, at codon 844 of the TSC2 protein (p.Leu844Pro). This variant is not present in population databases (gnomAD no frequency). This missense change has been observed in individual(s) with clinical features of tuberous sclerosis (PMID: 27859028, 35918040; Invitae). In at least one individual the variant was observed to be de novo. ClinVar contains an entry for this variant (Variation ID: 64921). Advanced modeling of protein sequence and biophysical properties (such as structural, functional, and spatial information, amino acid conservation, physicochemical variation, residue mobility, and thermodynamic stability) has been performed at Invitae for this missense variant, however the output from this modeling did not meet the statistical confidence thresholds required to predict the impact of this variant on TSC2 protein function. This variant disrupts the p.Leu844 amino acid residue in TSC2. Other variant(s) that disrupt this residue have been observed in individuals with TSC2-related conditions (PMID: 32461669), which suggests that this may be a clinically significant amino acid residue. For these reasons, this variant has been classified as Pathogenic.

Institute of Human Genetics, University of Leipzig Medical Center
Classification: Likely pathogenic for Tuberous sclerosis 2. Last evaluated: 2017-12-19. Review status: criteria provided, single submitter. Criteria: ACMG Guidelines, 2015. Collection method: clinical testing. Allele origin: germline. Affected: yes. Observed: 1 variant allele.

Tuberous sclerosis database (TSC2)
No classification provided. Condition: TSC. Review status: no classification provided. Criteria: Tuberous Sclerosis Database Assertion Criteria 2015. Collection method: curation. Allele origin: germline. Affected: yes. Not counted in ClinVar's aggregate classification.

Literature cited by the submitters: PubMed 27859028 (cited by Labcorp Genetics (formerly Invitae), Labcorp); PubMed 35918040 (cited by Labcorp Genetics (formerly Invitae), Labcorp); PubMed 32461669 (cited by Labcorp Genetics (formerly Invitae), Labcorp).